The following is an entry in ClinVar:

ClinVar aggregate classification (germline): Uncertain significance (1 of 4 stars; one submission).

Conditions:
Epileptic encephalopathy. Identifiers: MedGen C0543888, HP:0200134.

gnomAD v4.1: 2 of 1,613,880 alleles (0.00012%); highest among the groups gnomAD compares: Admixed American, 0.0033%; no homozygotes.

Submission:

Labcorp Genetics (formerly Invitae), Labcorp
Classification: Uncertain significance for Epileptic encephalopathy. Last evaluated: 2019-03-11. Review status: criteria provided, single submitter. Criteria: Invitae Variant Classification Sherloc (09022015). Collection method: clinical testing. Allele origin: germline.
Comment: This sequence change replaces glutamic acid with valine at codon 874 of the RYR3 protein (p.Glu874Val). The glutamic acid residue is highly conserved and there is a moderate physicochemical difference between glutamic acid and valine. This variant is not present in population databases (ExAC no frequency). In summary, the available evidence is currently insufficient to determine the role of this variant in disease. Therefore, it has been classified as a Variant of Uncertain Significance. Algorithms developed to predict the effect of missense changes on protein structure and function (SIFT, PolyPhen-2, Align-GVGD) all suggest that this variant is likely to be disruptive, but these predictions have not been confirmed by published functional studies and their clinical significance is uncertain. This variant has not been reported in the literature in individuals with RYR3-related conditions.

NM_001036.6(RYR3):c.2621A>T (p.Glu874Val)

Gene: RYR3 (ryanodine receptor 3; plus strand). Cytogenetic location: 15q14.
Variant type: single nucleotide variant.
Coding change: c.2621A>T on transcript NM_001036.6 (MANE Select); coding-DNA position 2621, A replaced by T.
Protein change: p.Glu874Val; replaces glutamic acid 874 with valine.
Molecular consequence: missense variant.
Genome position (GRCh38, 1-based): chr15:33,628,517, A>T. VCF-style: chr15-33628517-A-T. GRCh37 (hg19) VCF-style: chr15-33920718-A-T.
Other names: c.2621A>T, p.Glu874Val (NM_001243996.4); short protein forms E874V.
Identifiers: ClinVar variation 855814 (VCV000855814.7), dbSNP rs372568152, ClinGen allele CA268571974.